The following is an entry in ClinVar:

NM_002541.4(OGDH):c.1936G>T (p.Val646Leu)

Gene: OGDH (oxoglutarate dehydrogenase; plus strand). Cytogenetic location: 7p13.
Variant type: single nucleotide variant.
Coding change: c.1936G>T on transcript NM_002541.4 (MANE Select); coding-DNA position 1936, G replaced by T.
Protein change: p.Val646Leu; replaces valine 646 with leucine.
Molecular consequence: missense variant.
Genome position (GRCh38, 1-based): chr7:44,696,949, G>T. VCF-style: chr7-44696949-G-T. GRCh37 (hg19) VCF-style: chr7-44736548-G-T.
Other names: c.1924G>T, p.Val642Leu (NM_001165036.2); c.1969G>T, p.Val657Leu (NM_001363523.2); c.1936G>T (NM_002541.3); short protein forms V642L, V646L, V657L.
Identifiers: ClinVar variation 2054392 (VCV002054392.5), dbSNP rs747468245, ClinGen allele CA4243982.
Genomic context (GRCh38, chr7:44,696,949, plus strand): 5'-GCTGGTGAGAGCTGTGTCTCTGCAGGGCTGAGCCGGATCTTGAAGACTCGTGGGGAAATG[G>T]TGAAGAACCGGACTGTGGACTGGGCTCTAGCGGAGTACATGGCGTTTGGCTCGCTCCTGA-3'
Protein context (NP_002532.2, residues 636-656): SRILKTRGEM[Val646Leu]KNRTVDWALA

ClinVar aggregate classification (germline): Uncertain significance. Review status: criteria provided, multiple submitters, no conflicts (2 of 4 stars). 2 submissions from 2 submitters: Uncertain significance (2). Last evaluated 2025-05-07.

Conditions:
Oxoglutaricaciduria. Identifiers: Orphanet 31, MedGen C2752074, MONDO:0008759, OMIM 203740.

Allele frequency attached by ClinVar (database versions not stated): gnomAD 0.00001; ExAC 0.00001; TOPMed 0.00007; gnomAD exomes 0.00001.
gnomAD v4.1: 17 of 1,613,968 alleles (0.0011%); highest among the groups gnomAD compares: Admixed American, 0.017%; no homozygotes.

Submissions (2):

Ambry Genetics
Classification: Uncertain significance. Last evaluated: 2025-05-07. Review status: criteria provided, single submitter. Criteria: Ambry Variant Classification Scheme 2023. Collection method: clinical testing. Allele origin: germline.

Labcorp Genetics (formerly Invitae), Labcorp
Classification: Uncertain significance for Oxoglutaricaciduria. Last evaluated: 2022-09-01. Review status: criteria provided, single submitter. Criteria: Invitae Variant Classification Sherloc (09022015). Collection method: clinical testing. Allele origin: germline.
Comment: This sequence change replaces valine, which is neutral and non-polar, with leucine, which is neutral and non-polar, at codon 646 of the OGDH protein (p.Val646Leu). This variant is present in population databases (rs747468245, gnomAD 0.02%). This variant has not been reported in the literature in individuals affected with OGDH-related conditions. Algorithms developed to predict the effect of missense changes on protein structure and function (SIFT, PolyPhen-2, Align-GVGD) all suggest that this variant is likely to be tolerated. In summary, the available evidence is currently insufficient to determine the role of this variant in disease. Therefore, it has been classified as a Variant of Uncertain Significance.